The following is an entry in ClinVar:

NM_001039591.3(USP9X):c.2081G>A (p.Arg694His)

Gene: USP9X (ubiquitin specific peptidase 9 X-linked; plus strand). Cytogenetic location: Xp11.4.
Variant type: single nucleotide variant.
Coding change: c.2081G>A on transcript NM_001039591.3 (MANE Select); coding-DNA position 2081, G replaced by A.
Protein change: p.Arg694His; replaces arginine 694 with histidine.
Molecular consequence: missense variant.
Genome position (GRCh38, 1-based): chrX:41,165,967, G>A. VCF-style: chrX-41165967-G-A. GRCh37 (hg19) VCF-style: chrX-41025220-G-A.
Other names: c.2081G>A, p.Arg694His (NM_001039590.3); c.2096G>A, p.Arg699His (NM_001410748.1, NM_001410749.1); short protein forms R694H, R699H.
Identifiers: ClinVar variation 3340892 (VCV003340892.1).

ClinVar aggregate classification (germline): Uncertain significance (1 of 4 stars; one submission).

gnomAD v4.1: 1 of 1,211,460 alleles (0.000083%); highest among the groups gnomAD compares: Non-Finnish European, 0.00011%; no homozygotes.

Submission:

GeneDx
Classification: Uncertain significance. Last evaluated: 2023-04-04. Review status: criteria provided, single submitter. Criteria: GeneDx Variant Classification Process June 2021. Collection method: clinical testing. Allele origin: germline. Affected: yes.
Comment: Reported in the heterozygous state in an individual with a neurodevelopmental disorder; however, detailed clinical information was not provided (Wang et al., 2020); In silico analysis supports that this missense variant has a deleterious effect on protein structure/function; Not observed at significant frequency in large population cohorts (gnomAD); This variant is associated with the following publications: (PMID: 33004838)